The following is an entry in ClinVar:

NM_006073.4(TRDN):c.1662T>C (p.His554=)

Gene: TRDN (triadin; minus strand). Cytogenetic location: 6q22.31.
Variant type: single nucleotide variant.
Coding change: c.1662T>C on transcript NM_006073.4 (MANE Select); coding-DNA position 1662, T replaced by C.
Protein change: p.His554=; no amino-acid change (histidine 554 retained).
Molecular consequence: synonymous variant.
Genome position (GRCh38, 1-based): chr6:123,272,974, A>G on the plus strand (T>C on the coding strand, the complement: TRDN is on the minus strand). VCF-style: chr6-123272974-A-G. GRCh37 (hg19) VCF-style: chr6-123594119-A-G.
Other names: c.1662T>C (NM_006073.2).
Identifiers: ClinVar variation 3672411 (VCV003672411.3).

ClinVar aggregate classification (germline): Conflicting classifications of pathogenicity. Review status: criteria provided, conflicting classifications (1 of 4 stars). 2 submissions from 2 submitters: Uncertain significance (1); Likely benign (1). Last evaluated 2025-09-15.

Conditions:
Catecholaminergic polymorphic ventricular tachycardia 1. Also called: VENTRICULAR TACHYCARDIA, CATECHOLAMINERGIC POLYMORPHIC, 1, WITH OR WITHOUT ATRIAL DYSFUNCTION AND/OR DILATED CARDIOMYOPATHY; VENTRICULAR TACHYCARDIA, STRESS-INDUCED POLYMORPHIC 1; RYR2-Related Catecholaminergic Polymorphic Ventricular Tachycardia. Identifiers: Orphanet 3286, MedGen C1631597, MONDO:0011484, OMIM 604772.
Cardiovascular phenotype. Identifiers: MedGen CN230736.

gnomAD v4.1: 1 of 1,531,394 alleles (0.000065%); highest among the groups gnomAD compares: Non-Finnish European, 0.000088%; no homozygotes.

Submissions (2):

Ambry Genetics
Classification: Uncertain significance for Cardiovascular phenotype. Last evaluated: 2025-09-15. Review status: criteria provided, single submitter. Criteria: Ambry Variant Classification Scheme 2023. Collection method: clinical testing. Allele origin: germline.
Comment: The c.1662T>C variant (also known as p.H554H), located in coding exon 29 of the TRDN gene, results from a T to C substitution at nucleotide position 1662. This nucleotide substitution does not change the histidine at codon 554. This nucleotide position is well conserved in available vertebrate species. In silico splice site analysis predicts that this alteration may result in the creation or strengthening of a novel splice donor site. Based on the available evidence, the clinical significance of this variant remains unclear.

Labcorp Genetics (formerly Invitae), Labcorp
Classification: Likely benign for Catecholaminergic polymorphic ventricular tachycardia 1. Last evaluated: 2024-05-27. Review status: criteria provided, single submitter. Criteria: Invitae Variant Classification Sherloc (09022015). Collection method: clinical testing. Allele origin: germline.